The following is an entry in ClinVar:

ClinVar aggregate classification (germline): Conflicting classifications of pathogenicity. Review status: criteria provided, conflicting classifications (1 of 4 stars). 4 submissions from 4 submitters: Uncertain significance (3); Likely benign (1). Last evaluated 2025-12-30.

Conditions:
Retinoblastoma (RB1). Also called: RETINOBLASTOMA, SOMATIC. Identifiers: Orphanet 790, MedGen C0035335, MeSH D012175, MONDO:0008380, OMIM 180200, HP:0009919. Disease mechanism: loss of function. Inheritance: Both sporadic and heritable forms are tested..
Hereditary cancer-predisposing syndrome. Also called: Hereditary Cancer Syndrome; Hereditary neoplastic syndrome; Tumor predisposition; Neoplastic Syndromes, Hereditary. Identifiers: Orphanet 140162, MedGen C0027672, MeSH D009386, MONDO:0015356.
Malignant tumor of urinary bladder. Also called: Bladder cancer; Urinary bladder cancer; Urinary Bladder Neoplasms. Identifiers: MedGen C0005684, MONDO:0001187, OMIM 109800.

Allele frequency attached by ClinVar (database versions not stated): gnomAD 0.00001; TOPMed 0.00001.
gnomAD v4.1: 1 of 1,608,890 alleles (0.000062%); highest among the groups gnomAD compares: African/African-American, 0.0013%; no homozygotes.

Submissions (4):

Labcorp Genetics (formerly Invitae), Labcorp
Classification: Likely benign for Retinoblastoma. Last evaluated: 2025-12-30. Review status: criteria provided, single submitter. Criteria: Invitae Variant Classification Sherloc (09022015). Collection method: clinical testing. Allele origin: germline.

Ambry Genetics
Classification: Uncertain significance for Hereditary cancer-predisposing syndrome. Last evaluated: 2025-09-19. Review status: criteria provided, single submitter. Criteria: Ambry Variant Classification Scheme 2023. Collection method: clinical testing. Allele origin: germline.
Comment: The p.E54G variant (also known as c.161A>G), located in coding exon 2 of the RB1 gene, results from an A to G substitution at nucleotide position 161. The glutamic acid at codon 54 is replaced by glycine, an amino acid with similar properties. This amino acid position is not well conserved in available vertebrate species. In addition, the in silico prediction for this alteration is inconclusive. Since supporting evidence is limited at this time, the clinical significance of this alteration remains unclear.

Baylor Genetics
Classification: Uncertain significance for Malignant tumor of urinary bladder. Last evaluated: 2023-12-30. Review status: criteria provided, single submitter. Criteria: ACMG Guidelines, 2015. Collection method: clinical testing. Allele origin: unknown.

All of Us Research Program, National Institutes of Health
Classification: Uncertain significance for Retinoblastoma. Last evaluated: 2023-05-08. Review status: criteria provided, single submitter. Criteria: ACMG Guidelines, 2015. Collection method: clinical testing. Allele origin: germline. Inheritance: Autosomal dominant inheritance. Observed: 1 variant allele, 1 heterozygote.
Comment: This missense variant replaces glutamic acid with glycine at codon 54 of the RB1 protein. Computational prediction suggests that this variant may not impact protein structure and function (internally defined REVEL score threshold <= 0.5, PMID: 27666373). To our knowledge, functional studies have not been reported for this variant. This variant has not been reported in individuals affected with hereditary cancer in the literature. This variant has not been identified in the general population by the Genome Aggregation Database (gnomAD). The available evidence is insufficient to determine the role of this variant in disease conclusively. Therefore, this variant is classified as a Variant of Uncertain Significance.

This study involves interpretation of variants in research participants for the purpose of population health screening. Participant phenotype was not available at the time of variant classification. Additional details can be found in publication PMID: 35346344, PMCID: PMC8962531

NM_000321.3(RB1):c.161A>G (p.Glu54Gly)

Gene: RB1 (RB transcriptional corepressor 1; plus strand). Cytogenetic location: 13q14.2.
Variant type: single nucleotide variant.
Coding change: c.161A>G on transcript NM_000321.3 (MANE Select); coding-DNA position 161, A replaced by G.
Protein change: p.Glu54Gly; replaces glutamic acid 54 with glycine.
Molecular consequence: missense variant.
Genome position (GRCh38, 1-based): chr13:48,307,303, A>G. VCF-style: chr13-48307303-A-G. GRCh37 (hg19) VCF-style: chr13-48881439-A-G.
Other names: short protein forms E54G.
Identifiers: ClinVar variation 840943 (VCV000840943.11), dbSNP rs1952089249, ClinGen allele CA388250474.